The following is an entry in ClinVar:

NM_201384.3(PLEC):c.8807_8832dup (p.Phe2945fs)

Gene: PLEC (plectin; minus strand). Cytogenetic location: 8q24.3.
Variant type: Duplication.
Coding change: c.8807_8832dup on transcript NM_201384.3 (MANE Select); coding-DNA positions 8807 to 8832, 26 bases duplicated (AGCAGCGGCGGGACCTGCTGCGGCAG).
Protein change: p.Phe2945fs; shifts the reading frame from phenylalanine 2945.
Molecular consequence: frameshift variant.
Genome position (GRCh38, 1-based): chr8:143,920,989-143,921,014, CTGCCGCAGCAGGTCCCGCCGCTGCT duplicated on the plus strand (AGCAGCGGCGGGACCTGCTGCGGCAG on the coding strand, the reverse complement: PLEC is on the minus strand); duplicating any 26 consecutive bases within chr8:143,920,989-143,921,020 gives the same sequence; the c. name uses the placement nearest the transcript's 3' end. VCF-style (leftmost placement, unchanged base first): chr8-143920988-A-ACTGCCGCAGCAGGTCCCGCCGCTGCT. GRCh37 (hg19) VCF-style: chr8-144995156-A-ACTGCCGCAGCAGGTCCCGCCGCTGCT.
Other names: c.8888_8913dup, p.Phe2972fs (NM_000445.5); c.5501_5526dup, p.Phe1845Serfs (NM_001410941.1); c.8765_8790dup, p.Phe2931fs (NM_201378.4); c.8741_8766dup, p.Phe2923fs (NM_201379.3); c.9218_9243dup, p.Phe3082fs (NM_201380.4); c.8711_8736dup, p.Phe2913fs (NM_201381.3); c.8807_8832dup, p.Phe2945fs (NM_201382.4); c.8819_8844dup, p.Phe2949fs (NM_201383.3); short protein forms F2931fs, F3082fs, F2945fs, F2923fs, F2949fs, F2913fs, F2972fs.
Identifiers: ClinVar variation 2114563 (VCV002114563.4), dbSNP rs2537428279, ClinGen allele CA2580078695.

ClinVar aggregate classification (germline): Pathogenic (1 of 4 stars; one submission).

Conditions:
Epidermolysis bullosa simplex, Ogna type (EBS5A). Also called: Pidermolysis bullosa simplex 5A, Ogna type; EPIDERMOLYSIS BULLOSA SIMPLEX 5A, OGNA TYPE. Identifiers: Orphanet 79401, MedGen C0432317, MONDO:0007555, OMIM 131950.
Epidermolysis bullosa simplex with nail dystrophy (EBS5D). Identifiers: MedGen C4225309, MONDO:0014661, OMIM 616487.
Epidermolysis bullosa simplex 5C, with pyloric atresia (EBS5C). Also called: PLEC-Related Epidermolysis Bullosa with Pyloric Atresia; Epidermolysis bullosa simplex with pyloric atresia; PLEC1-Related Epidermolysis Bullosa with Pyloric Atresia. Identifiers: Orphanet 158684, MedGen C2677349, MONDO:0012807, OMIM 612138.
Epidermolysis bullosa simplex 5B, with muscular dystrophy (EBS5B). Also called: EPIDERMOLYSIS BULLOSA SIMPLEX AND LIMB-GIRDLE MUSCULAR DYSTROPHY; Epidermolysis bullosa simplex with muscular dystrophy. Identifiers: Orphanet 257, MedGen C2931072, MONDO:0009181, OMIM 226670.
Autosomal recessive limb-girdle muscular dystrophy type 2Q (LGMDR17). Also called: MUSCULAR DYSTROPHY, LIMB-GIRDLE, AUTOSOMAL RECESSIVE 17. Identifiers: Orphanet 254361, MedGen C3150989, MONDO:0013390, OMIM 613723.

Submission:

Labcorp Genetics (formerly Invitae), Labcorp
Classification: Pathogenic for Autosomal recessive limb-girdle muscular dystrophy type 2Q; Epidermolysis bullosa simplex, Ogna type; Epidermolysis bullosa simplex with nail dystrophy; Epidermolysis bullosa simplex 5C, with pyloric atresia; Epidermolysis bullosa simplex 5B, with muscular dystrophy. Last evaluated: 2022-04-27. Review status: criteria provided, single submitter. Criteria: Invitae Variant Classification Sherloc (09022015). Collection method: clinical testing. Allele origin: germline.
Comment: For these reasons, this variant has been classified as Pathogenic. This variant disrupts a region of the PLEC protein in which other variant(s) (p.Lys4460*) have been determined to be pathogenic (PMID: 10652002). This suggests that this is a clinically significant region of the protein, and that variants that disrupt it are likely to be disease-causing. This variant has not been reported in the literature in individuals affected with PLEC-related conditions. This variant is not present in population databases (gnomAD no frequency). This sequence change creates a premature translational stop signal (p.Phe2972Serfs*75) in the PLEC gene. While this is not anticipated to result in nonsense mediated decay, it is expected to disrupt the last 1603 amino acid(s) of the PLEC protein.

Literature cited by the submitters: PubMed 10652002.